The following is an entry in ClinVar:

ClinVar aggregate classification (germline): Likely pathogenic (1 of 4 stars; one submission).

Allele frequency attached by ClinVar (database versions not stated): gnomAD exomes below 0.00001; ExAC 0.00001.
gnomAD v4.1: 2 of 1,614,218 alleles (0.00012%); highest among the groups gnomAD compares: South Asian, 0.0011%; no homozygotes.

Submission:

GeneDx
Classification: Likely pathogenic. Last evaluated: 2026-03-31. Review status: criteria provided, single submitter. Criteria: GeneDx Variant Classification Process June 2021. Collection method: clinical testing. Allele origin: germline.
Comment: In silico analysis supports that this missense variant has a deleterious effect on protein structure/function; Has not been previously published as pathogenic or benign to our knowledge

NM_001282531.3(ADNP):c.1490A>G (p.Tyr497Cys)

Gene: ADNP (activity dependent neuroprotector homeobox; minus strand). Cytogenetic location: 20q13.13.
Variant type: single nucleotide variant.
Coding change: c.1490A>G on transcript NM_001282531.3 (MANE Select); coding-DNA position 1490, A replaced by G.
Protein change: p.Tyr497Cys; replaces tyrosine 497 with cysteine.
Molecular consequence: missense variant.
Genome position (GRCh38, 1-based): chr20:50,893,224, T>C on the plus strand (A>G on the coding strand, the complement: ADNP is on the minus strand). VCF-style: chr20-50893224-T-C. GRCh37 (hg19) VCF-style: chr20-49509761-T-C.
Other names: c.1490A>G, p.Tyr497Cys (NM_001282532.2, NM_001347511.2, NM_015339.5 and 1 more transcripts); short protein forms Y497C.
Identifiers: ClinVar variation 2504769 (VCV002504769.2), dbSNP rs753980822, ClinGen allele CA9908717.
Genomic context (GRCh38, chr20:50,893,224, plus strand): 5'-CAATATGGACAAGACAGACCATGAATTAACATATGGTTGAGCAGAGTATCTGTGGGTAAA[T>C]AGCGATTACAGTAGAGGCATTTGCTAGTAAAATTGTGTATTTTCATAATGTAGTTGGCTA-3'
Protein context (NP_001269460.1, residues 487-507): FTSKCLYCNR[Tyr497Cys]LPTDTLLNHM